The following is an entry in ClinVar:

ClinVar aggregate classification (germline): Conflicting classifications of pathogenicity. Review status: criteria provided, conflicting classifications (1 of 4 stars). 7 submissions from 7 submitters: Pathogenic (5); Likely pathogenic (1); Uncertain significance (1). Last evaluated 2025-12-03.

Conditions:
Osteopetrosis. Identifiers: Orphanet 2781, MedGen C0029454, MONDO:0017198, HP:0011002.
Autosomal recessive osteopetrosis 1. Also called: TCIRG1-Related Autosomal Recessive Osteopetrosis; ALBERS-SCHONBERG DISEASE, AUTOSOMAL RECESSIVE; TCIRG1-Related Osteopetrosis. Identifiers: Orphanet 667, MedGen C1850127, MONDO:0009815, OMIM 259700.

gnomAD v4.1: 17 of 1,540,026 alleles (0.0011%); highest among the groups gnomAD compares: Non-Finnish European, 0.0011%; no homozygotes.

Submissions (7):

Natera, Inc.
Classification: Likely pathogenic for Infantile malignant osteopetrosis. Last evaluated: 2025-12-03. Review status: criteria provided, single submitter. Criteria: Natera Variant Classification Schema (03/2026). Collection method: clinical testing. Allele origin: germline.
Comment: The c.504-6C>A variant in TCIRG1 is an intronic variant located outside the canonical splice sites. This variant is rare in the general population with a frequency below the threshold expected for the associated phenotype(s). This variant has been observed in one or more individuals affected with the associated recessive disease, as either homozygous or compound heterozygous with a second variant (PMID: 19507210, 30084437, 37189924, 40562302). Functional studies show that this variant may disrupt protein function (PMID: 10888887). Computational prediction algorithms indicate this variant is likely to affect gene or protein function. Given the available evidence, this variant is classified as Likely Pathogenic.

GeneDx
Classification: Pathogenic. Last evaluated: 2024-05-24. Review status: criteria provided, single submitter. Criteria: GeneDx Variant Classification Process June 2021. Collection method: clinical testing. Allele origin: germline. Affected: yes.
Comment: RNA studies demonstrate a damaging effect as c.504-6 C>A results in out-of-frame products in the majority of transcripts (PMID: 10888887); In silico analysis supports a deleterious effect on splicing; Not observed at significant frequency in large population cohorts (gnomAD); Also known as C4391A; This variant is associated with the following publications: (PMID: 30084437, 37189924, 10888887, 19507210)

Baylor Genetics
Classification: Pathogenic for Autosomal recessive osteopetrosis 1. Last evaluated: 2024-03-12. Review status: criteria provided, single submitter. Criteria: ACMG Guidelines, 2015. Collection method: clinical testing. Allele origin: unknown.

Labcorp Genetics (formerly Invitae), Labcorp
Classification: Pathogenic. Last evaluated: 2024-01-16. Review status: criteria provided, single submitter. Criteria: Invitae Variant Classification Sherloc (09022015). Collection method: clinical testing. Allele origin: germline.
Comment: This sequence change falls in intron 5 of the TCIRG1 gene. It does not directly change the encoded amino acid sequence of the TCIRG1 protein. RNA analysis indicates that this variant induces altered splicing and may result in an absent or disrupted protein product. This variant is not present in population databases (gnomAD no frequency). This variant has been observed in individual(s) with TCIRG1-related conditions (PMID: 10888887, 30084437). In at least one individual the data is consistent with being in trans (on the opposite chromosome) from a pathogenic variant. This variant is also known as C4391A. ClinVar contains an entry for this variant (Variation ID: 1217234). Studies have shown that this variant results in abnormal splicing and introduces a premature termination codon (PMID: 10888887). The resulting mRNA is expected to undergo nonsense-mediated decay. For these reasons, this variant has been classified as Pathogenic.

Mendelics
Classification: Pathogenic for Autosomal recessive osteopetrosis 1. Last evaluated: 2022-05-04. Review status: criteria provided, single submitter. Criteria: Mendelics Assertion Criteria 2019. Collection method: clinical testing. Allele origin: germline.

Blueprint Genetics
Classification: Uncertain significance. Last evaluated: 2021-12-22. Review status: criteria provided, single submitter. Criteria: ACMG Guidelines, 2015. Collection method: clinical testing. Allele origin: germline.

Women's Health and Genetics/Laboratory Corporation of America, LabCorp
Classification: Pathogenic for Osteopetrosis. Last evaluated: 2021-08-10. Review status: criteria provided, single submitter. Criteria: LabCorp Variant Classification Summary - May 2015. Collection method: clinical testing. Allele origin: germline.
Comment: Variant summary: TCIRG1 c.504-6C>A alters a non-conserved nucleotide located close to a canonical splice site and therefore could affect mRNA splicing, leading to a significantly altered protein sequence. One computational tool predicts the variant abolishes a 3 prime acceptor site. At least one publication reports experimental evidence that this variant affects mRNA splicing (Frattini_2000). The variant was absent in 134460 control chromosomes. c.504-6C>A has been reported in the literature in individuals affected with Osteopetrosis (Frattini_2000, Mazzolari_2009, Chavez-Guitron_2018). These data indicate that the variant is likely to be associated with disease. No clinical diagnostic laboratories have submitted clinical-significance assessments for this variant to ClinVar after 2014. Based on the evidence outlined above, the variant was classified as pathogenic.

Literature cited by the submitters: PubMed 19507210 (cited by Natera, Inc. and Women's Health and Genetics/Laboratory Corporation of America, LabCorp); PubMed 30084437 (cited by 3 submitters); PubMed 37189924 (cited by Natera, Inc.); PubMed 40562302 (cited by Natera, Inc.); PubMed 10888887 (cited by 3 submitters).

NM_006019.4(TCIRG1):c.504-6C>A

Gene: TCIRG1 (T cell immune regulator 1, ATPase H+ transporting V0 subunit a3; plus strand). Cytogenetic location: 11q13.2.
Variant type: single nucleotide variant.
Coding change: c.504-6C>A on transcript NM_006019.4 (MANE Select); 6 bases into the intron before coding-DNA position 504, C replaced by A.
Molecular consequence: intron variant. On other transcripts: 5 prime UTR variant (2).
Genome position (GRCh38, 1-based): chr11:68,043,365, C>A. VCF-style: chr11-68043365-C-A. GRCh37 (hg19) VCF-style: chr11-67810832-C-A.
Other names: c.-413C>A (NM_001351059.2); c.-151C>A (NM_006053.4).
Identifiers: ClinVar variation 1217234 (VCV001217234.15), dbSNP rs1028394725, ClinGen allele CA224203753.